The following is an entry in ClinVar:

ClinVar aggregate classification (germline): Uncertain significance. Review status: criteria provided, multiple submitters, no conflicts (2 of 4 stars). 2 submissions from 2 submitters: Uncertain significance (2). Last evaluated 2025-08-27.

Conditions:
Hereditary cancer-predisposing syndrome. Also called: Tumor predisposition; Neoplastic Syndromes, Hereditary; Hereditary neoplastic syndrome; Hereditary Cancer Syndrome. Identifiers: Orphanet 140162, MedGen C0027672, MeSH D009386, MONDO:0015356.
Familial adenomatous polyposis 2. Also called: MYH-associated polyposis; FAP type 2; COLORECTAL ADENOMATOUS POLYPOSIS, AUTOSOMAL RECESSIVE; ADENOMAS, MULTIPLE COLORECTAL, AUTOSOMAL RECESSIVE; MUTYH-related attenuated familial adenomatous polyposis; MUTYH Polyposis. Identifiers: Orphanet 220460, Orphanet 247798, MedGen C3272841, MONDO:0012041, OMIM 608456.

Submissions (2):

Ambry Genetics
Classification: Uncertain significance for Hereditary cancer-predisposing syndrome. Last evaluated: 2025-08-27. Review status: criteria provided, single submitter. Criteria: Ambry Variant Classification Scheme 2023. Collection method: clinical testing. Allele origin: germline.
Comment: The p.M121T variant (also known as c.362T>C), located in coding exon 4 of the MUTYH gene, results from a T to C substitution at nucleotide position 362. The methionine at codon 121 is replaced by threonine, an amino acid with similar properties. This amino acid position is conserved. In addition, this alteration is predicted to be tolerated by in silico analysis. Based on the available evidence, the clinical significance of this variant remains unclear.

Mendelics
Classification: Uncertain significance for MYH-associated polyposis. Last evaluated: 2018-07-02. Review status: criteria provided, single submitter. Criteria: Mendelics Assertion Criteria 2017. Collection method: clinical testing. Allele origin: unknown.

NM_001048174.2(MUTYH):c.278T>C (p.Met93Thr)

Gene: MUTYH (mutY DNA glycosylase; minus strand). Cytogenetic location: 1p34.1.
Variant type: single nucleotide variant.
Coding change: c.278T>C on transcript NM_001048174.2 (MANE Select); coding-DNA position 278, T replaced by C.
Protein change: p.Met93Thr; replaces methionine 93 with threonine.
Molecular consequence: missense variant. On other transcripts: initiator codon variant (2), non-coding transcript variant (2).
Genome position (GRCh38, 1-based): chr1:45,333,311, A>G on the plus strand (T>C on the coding strand, the complement: MUTYH is on the minus strand). VCF-style: chr1-45333311-A-G. GRCh37 (hg19) VCF-style: chr1-45798983-A-G.
Other names: c.278T>C, p.Met93Thr (NM_001048171.2, NM_001048173.2, NM_001293195.2); c.281T>C, p.Met94Thr (NM_001048172.2); c.362T>C, p.Met121Thr (NM_001128425.2); c.323T>C, p.Met108Thr (NM_001293190.2); c.311T>C, p.Met104Thr (NM_001293191.2); c.2T>C, p.Met1Thr (NM_001293192.2, NM_001293196.2); c.7T>C, p.Trp3Arg (NM_001350650.2, NM_001350651.2); c.353T>C, p.Met118Thr (NM_012222.3); and 1 more; short protein forms M121T, M108T, M1T, M93T, M94T, M104T, M118T, W3R.
Identifiers: ClinVar variation 584587 (VCV000584587.4), dbSNP rs1557484437, ClinGen allele CA340136284.